The following is an entry in ClinVar:

ClinVar aggregate classification (germline): Benign/Likely benign. Review status: criteria provided, multiple submitters, no conflicts (2 of 4 stars). 3 submissions from 3 submitters: Benign (1); Likely benign (2). Last evaluated 2026-02-03.

Conditions:
Hereditary cancer-predisposing syndrome. Also called: Hereditary Cancer Syndrome; Tumor predisposition; Neoplastic Syndromes, Hereditary; Hereditary neoplastic syndrome. Identifiers: Orphanet 140162, MedGen C0027672, MeSH D009386, MONDO:0015356.
Ataxia-telangiectasia syndrome (AT). Also called: ATAXIA-TELANGIECTASIA, COMPLEMENTATION GROUP A; ATAXIA-TELANGIECTASIA, FRESNO VARIANT; Ataxia-telangiectasia; Ataxia-telangiectasia, complementation group E; Cerebello-oculocutaneous telangiectasia; Immunodeficiency with ataxia telangiectasia. Identifiers: Orphanet 100, MedGen C0004135, MONDO:0008840, OMIM 208900.

Allele frequency attached by ClinVar (database versions not stated): TOPMed 0.00022; gnomAD exomes 0.00003 and 0.00002; 1000 Genomes Project 30x 0.00062; ExAC 0.00006; 1000 Genomes Project 0.00080; ESP Exome Variant Server 0.00015; gnomAD 0.00041.
gnomAD v4.1: 64 of 1,613,262 alleles (0.004%); highest among the groups gnomAD compares: African/African-American, 0.085%; no homozygotes.

Submissions (3):

Labcorp Genetics (formerly Invitae), Labcorp
Classification: Likely benign for Ataxia-telangiectasia syndrome. Last evaluated: 2026-02-03. Review status: criteria provided, single submitter. Criteria: Invitae Variant Classification Sherloc (09022015). Collection method: clinical testing. Allele origin: germline.

Color Diagnostics, LLC DBA Color Health
Classification: Likely benign for Hereditary cancer-predisposing syndrome. Last evaluated: 2015-10-28. Review status: criteria provided, single submitter. Criteria: ACMG Guidelines, 2015. Collection method: clinical testing. Allele origin: germline.

GeneDx
Classification: Benign. Last evaluated: 2014-07-08. Review status: criteria provided, single submitter. Criteria: GeneDx Variant Classification (06012015). Collection method: clinical testing. Allele origin: germline. Affected: yes.
Comment: This variant is considered likely benign or benign based on one or more of the following criteria: it is a conservative change, it occurs at a poorly conserved position in the protein, it is predicted to be benign by multiple in silico algorithms, and/or has population frequency not consistent with disease.

NM_000051.4(ATM):c.8418+13C>T

Genes: C11orf65 (chromosome 11 open reading frame 65; minus strand), ATM (ATM serine/threonine kinase; plus strand). Cytogenetic location: 11q22.3.
Variant type: single nucleotide variant.
Coding change: c.8418+13C>T on transcript NM_000051.4 (MANE Select); 13 bases into the intron after coding-DNA position 8418, C replaced by T.
Molecular consequence: intron variant.
Genome position (GRCh38, 1-based): chr11:108,343,384, C>T. VCF-style: chr11-108343384-C-T. GRCh37 (hg19) VCF-style: chr11-108214111-C-T.
Other names: c.8418+13C>T (NM_001351834.2); c.641-34313G>A (NM_001330368.2); c.695-8092G>A (NM_001351110.2).
Identifiers: ClinVar variation 181842 (VCV000181842.11), dbSNP rs372552946, ClinGen allele CA297971.